The following is an entry in ClinVar:

NM_182961.4(SYNE1):c.10093A>G (p.Ser3365Gly)

Gene: SYNE1 (spectrin repeat containing nuclear envelope protein 1; minus strand). Cytogenetic location: 6q25.2.
Variant type: single nucleotide variant.
Coding change: c.10093A>G on transcript NM_182961.4 (MANE Select); coding-DNA position 10093, A replaced by G.
Protein change: p.Ser3365Gly; replaces serine 3365 with glycine.
Molecular consequence: missense variant.
Genome position (GRCh38, 1-based): chr6:152,364,899, T>C on the plus strand (A>G on the coding strand, the complement: SYNE1 is on the minus strand). VCF-style: chr6-152364899-T-C. GRCh37 (hg19) VCF-style: chr6-152686034-T-C.
Other names: c.10114A>G, p.Ser3372Gly (NM_033071.5); c.10114A>G (NM_033071.3); short protein forms S3372G, S3365G.
Identifiers: ClinVar variation 1041757 (VCV001041757.10), dbSNP rs545457219, ClinGen allele CA4057081.

ClinVar aggregate classification (germline): Uncertain significance. Review status: criteria provided, multiple submitters, no conflicts (2 of 4 stars). 2 submissions from 2 submitters: Uncertain significance (2). Last evaluated 2025-04-07.

Conditions:
Emery-Dreifuss muscular dystrophy 4, autosomal dominant (EDMD4). Also called: EMERY-DREIFUSS MUSCULAR DYSTROPHY 4 WITH VARIABLE FEATURES. Identifiers: Orphanet 261, MedGen C2751807, MONDO:0013071, OMIM 612998.
Autosomal recessive ataxia, Beauce type. Also called: Spinocerebellar ataxia, autosomal recessive 8; ATAXIA, RECESSIVE, OF BEAUCE; SYNE1 Deficiency; SYNE1-Related Autosomal Recessive Cerebellar Ataxia. Identifiers: Orphanet 88644, MedGen C1853116, MONDO:0012549, OMIM 610743.

Allele frequency attached by ClinVar (database versions not stated): gnomAD 0.00001; TOPMed 0.00001; ExAC 0.00002; gnomAD exomes 0.00002; 1000 Genomes Project 30x 0.00016; 1000 Genomes Project 0.00020.
gnomAD v4.1: 4 of 1,614,238 alleles (0.00025%); highest among the groups gnomAD compares: East Asian, 0.0089%; no homozygotes.

Submissions (2):

Labcorp Genetics (formerly Invitae), Labcorp
Classification: Uncertain significance for Emery-Dreifuss muscular dystrophy 4, autosomal dominant; Autosomal recessive ataxia, Beauce type. Last evaluated: 2025-04-07. Review status: criteria provided, single submitter. Criteria: Invitae Variant Classification Sherloc (09022015). Collection method: clinical testing. Allele origin: germline.
Comment: This sequence change replaces serine, which is neutral and polar, with glycine, which is neutral and non-polar, at codon 3372 of the SYNE1 protein (p.Ser3372Gly). This variant is present in population databases (rs545457219, gnomAD 0.02%). This variant has not been reported in the literature in individuals affected with SYNE1-related conditions. ClinVar contains an entry for this variant (Variation ID: 1041757). An algorithm developed to predict the effect of missense changes on protein structure and function outputs the following: PolyPhen-2: "Benign". The glycine amino acid residue is found in multiple mammalian species, which suggests that this missense change does not adversely affect protein function. In summary, the available evidence is currently insufficient to determine the role of this variant in disease. Therefore, it has been classified as a Variant of Uncertain Significance.

Revvity Omics, Revvity
Classification: Uncertain significance. Last evaluated: 2025-03-10. Review status: criteria provided, single submitter. Criteria: ACMG Guidelines, 2015. Collection method: clinical testing. Allele origin: germline.